The following is an entry in ClinVar:

NM_001042492.3(NF1):c.3790G>A (p.Glu1264Lys)

Gene: NF1 (neurofibromin 1; plus strand). Cytogenetic location: 17q11.2.
Variant type: single nucleotide variant.
Coding change: c.3790G>A on transcript NM_001042492.3 (MANE Select); coding-DNA position 3790, G replaced by A.
Protein change: p.Glu1264Lys; replaces glutamic acid 1264 with lysine.
Molecular consequence: missense variant.
Genome position (GRCh38, 1-based): chr17:31,235,692, G>A. VCF-style: chr17-31235692-G-A. GRCh37 (hg19) VCF-style: chr17-29562710-G-A.
Other names: c.3790G>A, p.Glu1264Lys (NM_000267.4); short protein forms E1264K.
Identifiers: ClinVar variation 216402 (VCV000216402.12), dbSNP rs863224660, ClinGen allele CA336871.

ClinVar aggregate classification (germline): Conflicting classifications of pathogenicity. Review status: criteria provided, conflicting classifications (1 of 4 stars). 4 submissions from 4 submitters: Pathogenic (2); Likely pathogenic (1); Uncertain significance (1). Last evaluated 2023-04-26.

Conditions:
Hereditary cancer-predisposing syndrome. Also called: Tumor predisposition; Hereditary Cancer Syndrome; Neoplastic Syndromes, Hereditary; Hereditary neoplastic syndrome. Identifiers: Orphanet 140162, MedGen C0027672, MeSH D009386, MONDO:0015356.
Neurofibromatosis, type 1 (NF1). Also called: VON RECKLINGHAUSEN DISEASE; Peripheral type neurofibromatosis; Neurofibromatosis, type I; NEUROFIBROMATOSIS, TYPE I, SOMATIC. Identifiers: Orphanet 636, MedGen C0027831, MONDO:0018975, OMIM 162200. Disease mechanism: loss of function.

Submissions (4):

GeneDx
Classification: Uncertain significance. Last evaluated: 2023-04-26. Review status: criteria provided, single submitter. Criteria: GeneDx Variant Classification Process June 2021. Collection method: clinical testing. Allele origin: germline. Affected: yes.
Comment: Has not been previously reported as a pathogenic or benign germline variant to our knowledge; In silico analysis supports that this missense variant has a deleterious effect on protein structure/function; Not observed at significant frequency in large population cohorts (gnomAD); This variant is associated with the following publications: (PMID: 25486365, 22807134, 22489043)

Genome-Nilou Lab
Classification: Pathogenic for Neurofibromatosis, type 1. Last evaluated: 2022-03-15. Review status: criteria provided, single submitter. Criteria: ACMG Guidelines, 2015. Collection method: clinical testing. Allele origin: germline. Affected: no.

Labcorp Genetics (formerly Invitae), Labcorp
Classification: Likely pathogenic for Neurofibromatosis, type 1. Last evaluated: 2020-01-21. Review status: criteria provided, single submitter. Criteria: Invitae Variant Classification Sherloc (09022015). Collection method: clinical testing. Allele origin: germline.
Comment: Algorithms developed to predict the effect of missense changes on protein structure and function are either unavailable or do not agree on the potential impact of this missense change (SIFT: "Deleterious"; PolyPhen-2: "Possibly Damaging"; Align-GVGD: "Class C0"). This sequence change replaces glutamic acid with lysine at codon 1264 of the NF1 protein (p.Glu1264Lys). The glutamic acid residue is highly conserved and there is a small physicochemical difference between glutamic acid and lysine. This variant is not present in population databases (ExAC no frequency). This variant has been observed in individual(s) with clinical features of neurofibromatosis type 1 (Invitae, external communication). In at least one individual the variant was observed to be de novo. ClinVar contains an entry for this variant (Variation ID: 216402). In summary, the currently available evidence indicates that the variant is pathogenic, but additional data are needed to prove that conclusively. Therefore, this variant has been classified as Likely Pathogenic.

Ambry Genetics
Classification: Pathogenic for Hereditary cancer-predisposing syndrome. Last evaluated: 2015-10-12. Review status: criteria provided, single submitter. Criteria: Ambry Autosomal Dominant and X-Linked criteria (10/2015). Collection method: clinical testing. Allele origin: germline. Observed: 1 variant allele.
Comment: Thep.E1264Kpathogenic mutation (also known as c.3790G>A), located in codingexon28 of theNF1gene, results from a G to A substitution at nucleotide position 3790. Theglutamicacid atcodon1264 is replaced by lysine, an amino acid with similar properties. This variant was not reported in population based cohorts in the following databases: Database of Single NucleotidePolymorphisms(dbSNP),NHLBIExomeSequencing Project (ESP), and 1000 Genomes Project. In the ESP, this variant was not observed in 6503 samples (13006 alleles) with coverage at this position. To date, this alteration has been detected with an allele frequency of approximately 0.002% (greater than 55000alleles tested) in our clinical cohort. This amino acid position is highly conserved in available vertebrate species. In addition, this alteration is predicted to be probably damaging and deleterious byPolyPhenand SIFTinsilicoanalyses, respectively. Based on the available evidence, p.E1264K is classified as a pathogenic mutation.